The following is an entry in ClinVar:

NM_003640.5(ELP1):c.599G>A (p.Trp200Ter)

Gene: ELP1 (elongator acetyltransferase complex subunit 1; minus strand). Cytogenetic location: 9q31.3.
Variant type: single nucleotide variant.
Coding change: c.599G>A on transcript NM_003640.5 (MANE Select); coding-DNA position 599, G replaced by A.
Protein change: p.Trp200Ter; replaces tryptophan 200 with a stop codon.
Molecular consequence: nonsense. On other transcripts: intron variant (1).
Genome position (GRCh38, 1-based): chr9:108,919,303, C>T on the plus strand (G>A on the coding strand, the complement: ELP1 is on the minus strand). VCF-style: chr9-108919303-C-T. GRCh37 (hg19) VCF-style: chr9-111681583-C-T.
Other names: c.257G>A, p.Trp86Ter (NM_001318360.2); c.-307-1633G>A (NM_001330749.2); short protein forms W200*, W86*.
Identifiers: ClinVar variation 1799898 (VCV001799898.2), dbSNP rs2537943516, ClinGen allele CA374388398.
Genomic context (GRCh38, chr9:108,919,303, plus strand): 5'-ATTTCCATACCTGTTTCTGGGCAAACAACACTCACAGCAAAAAACTGTCCATCCCCCCGC[C>T]AGGTAACTTGTGGTCTATGGTCATCCCAGGGCAAAGCAGACTCATGCTAAAAAGGGGAAC-3'

ClinVar aggregate classification (germline): Pathogenic (1 of 4 stars; one submission).

Submission:

Ambry Genetics
Classification: Pathogenic. Last evaluated: 2021-06-22. Review status: criteria provided, single submitter. Criteria: Ambry Variant Classification Scheme 2023. Collection method: clinical testing. Allele origin: germline.
Comment: The p.W200* pathogenic mutation (also known as c.599G>A), located in coding exon 6 of the IKBKAP gene, results from a G to A substitution at nucleotide position 599. This changes the amino acid from a tryptophan to a stop codon within coding exon 6. This variant is considered to be rare based on population cohorts in the Genome Aggregation Database (gnomAD). This alteration is expected to result in loss of function by premature protein truncation or nonsense-mediated mRNA decay. As such, this alteration is interpreted as a disease-causing mutation.